The following is an entry in ClinVar:

NC_000011.9:g.(?_66281867)_(66288857_?)dup

Gene: BBS1 (Bardet-Biedl syndrome 1; plus strand). Cytogenetic location: 11q13.2.
Variant type: Duplication.
Identifiers: ClinVar variation 1524802 (VCV001524802.4).

ClinVar aggregate classification (germline): Likely pathogenic (1 of 4 stars; one submission).

Conditions:
Bardet-Biedl syndrome (BBS). Identifiers: Orphanet 110, MedGen C0752166, MONDO:0015229.

Submission:

Labcorp Genetics (formerly Invitae), Labcorp
Classification: Likely pathogenic for Bardet-Biedl syndrome. Last evaluated: 2020-12-02. Review status: criteria provided, single submitter. Criteria: Invitae Variant Classification Sherloc (09022015). Collection method: clinical testing. Allele origin: germline.
Comment: In summary, the currently available evidence indicates that the variant is pathogenic, but additional data are needed to prove that conclusively. Therefore, this variant has been classified as Likely Pathogenic. This variant has not been reported in the literature in individuals with BBS1-related conditions. This variant results in a copy number gain of the genomic region encompassing exon(s) 4-9 of the BBS1 gene. While the exact position of this variant cannot be determined from the data, sub-genic copy number gains are generally in tandem (PMID: 25640679). This variant is predicted to be out-of-frame, and may result in an absent or disrupted protein product. Loss-of-function variants in BBS1 are known to be pathogenic (PMID: 12118255).

Literature cited by the submitters: PubMed 25640679; PubMed 12118255.